The following is an entry in ClinVar:

ClinVar aggregate classification (germline): Uncertain significance (1 of 4 stars; one submission).

Conditions:
Hereditary cancer-predisposing syndrome. Also called: Neoplastic Syndromes, Hereditary; Tumor predisposition; Hereditary neoplastic syndrome; Hereditary Cancer Syndrome. Identifiers: Orphanet 140162, MedGen C0027672, MeSH D009386, MONDO:0015356.

Submission:

Ambry Genetics
Classification: Uncertain significance for Hereditary cancer-predisposing syndrome. Last evaluated: 2026-06-15. Review status: criteria provided, single submitter. Criteria: Ambry Variant Classification Scheme 2023. Collection method: clinical testing. Allele origin: germline.
Comment: The p.E237D variant (also known as c.711A>C), located in coding exon 5 of the PTCH1 gene, results from an A to C substitution at nucleotide position 711. The glutamic acid at codon 237 is replaced by aspartic acid, an amino acid with highly similar properties. This amino acid position is highly conserved in available vertebrate species. In addition, this alteration is predicted to be deleterious by in silico analysis. Based on the available evidence, the clinical significance of this variant remains unclear.

NM_000264.5(PTCH1):c.711A>C (p.Glu237Asp)

Gene: PTCH1 (patched 1; minus strand). Cytogenetic location: 9q22.32.
Variant type: single nucleotide variant.
Coding change: c.711A>C on transcript NM_000264.5 (MANE Select); coding-DNA position 711, A replaced by C.
Protein change: p.Glu237Asp; replaces glutamic acid 237 with aspartic acid.
Molecular consequence: missense variant. On other transcripts: non-coding transcript variant (1).
Genome position (GRCh38, 1-based): chr9:95,481,984, T>G on the plus strand (A>C on the coding strand, the complement: PTCH1 is on the minus strand). VCF-style: chr9-95481984-T-G. GRCh37 (hg19) VCF-style: chr9-98244266-T-G.
Other names: c.513A>C, p.Glu171Asp (NM_001083602.3, NM_001354919.2); c.708A>C, p.Glu236Asp (NM_001083603.3); c.258A>C, p.Glu86Asp (NM_001083604.3, NM_001083605.3, NM_001083606.3 and 1 more transcripts); c.711A>C, p.Glu237Asp (NM_001354918.2); short protein forms E236D, E237D, E171D, E86D.
Identifiers: ClinVar variation 5027433 (VCV005027433.1).
Genomic context (GRCh38, chr9:95,481,984, plus strand): 5'-TCAGAAAGCATGATCACACACTTACAGGAGGTATGCTGTCCCAGACTGTAATTTCGCCCC[T>G]TCCCAGAAGCAGTCCAAAGGTGTAATAATCAAACAAGGGTAAAGATATTCTATTATCTGT-3'
Protein context (NP_000255.2, residues 227-247): LIITPLDCFW[Glu237Asp]GAKLQSGTAY